The following is an entry in ClinVar:

ClinVar aggregate classification (germline): Uncertain significance (1 of 4 stars; one submission).

Conditions:
Dilated cardiomyopathy 1O (CMD1O). Also called: CARDIOMYOPATHY, DILATED, WITH VENTRICULAR TACHYCARDIA. Identifiers: Orphanet 154, MedGen C1837839, MONDO:0012062, OMIM 608569.

Allele frequency attached by ClinVar (database versions not stated): gnomAD 0.00001.
gnomAD v4.1: 2 of 1,613,754 alleles (0.00012%); highest among the groups gnomAD compares: Admixed American, 0.0017%; no homozygotes.

Submission:

Labcorp Genetics (formerly Invitae), Labcorp
Classification: Uncertain significance for Dilated cardiomyopathy 1O. Last evaluated: 2019-08-13. Review status: criteria provided, single submitter. Criteria: Invitae Variant Classification Sherloc (09022015). Collection method: clinical testing. Allele origin: germline.
Comment: This sequence change replaces isoleucine with valine at codon 718 of the ABCC9 protein (p.Ile718Val). The isoleucine residue is moderately conserved and there is a small physicochemical difference between isoleucine and valine. This variant is not present in population databases (ExAC no frequency). This variant has not been reported in the literature in individuals with ABCC9-related conditions. Algorithms developed to predict the effect of missense changes on protein structure and function (SIFT, PolyPhen-2, Align-GVGD) all suggest that this variant is likely to be tolerated, but these predictions have not been confirmed by published functional studies and their clinical significance is uncertain. In summary, the available evidence is currently insufficient to determine the role of this variant in disease. Therefore, it has been classified as a Variant of Uncertain Significance.

NM_020297.4(ABCC9):c.2152A>G (p.Ile718Val)

Gene: ABCC9 (ATP binding cassette subfamily C member 9; minus strand). Cytogenetic location: 12p12.1.
Variant type: single nucleotide variant.
Coding change: c.2152A>G on transcript NM_020297.4 (MANE Select); coding-DNA position 2152, A replaced by G.
Protein change: p.Ile718Val; replaces isoleucine 718 with valine.
Molecular consequence: missense variant.
Genome position (GRCh38, 1-based): chr12:21,872,671, T>C on the plus strand (A>G on the coding strand, the complement: ABCC9 is on the minus strand). VCF-style: chr12-21872671-T-C. GRCh37 (hg19) VCF-style: chr12-22025605-T-C.
Other names: c.2152A>G, p.Ile718Val (NM_001377273.1, NM_005691.4); c.1288A>G, p.Ile430Val (NM_001377274.1); short protein forms I430V, I718V.
Identifiers: ClinVar variation 963322 (VCV000963322.9), dbSNP rs1946141017, ClinGen allele CA384132637.
Genomic context (GRCh38, chr12:21,872,671, plus strand): 5'-AAAAATATACATACTTGCTCCAGTGAACTTTTCCTTCCAATGTCTGCATCTCACCGAGGA[T>C]GGCAAGGAGAAGAGAGGACTTCCCACATCCTACTTGGCCCACAATCATGGTTAACTGACC-3'
Protein context (NP_064693.2, residues 708-728): GCGKSSLLLA[Ile718Val]LGEMQTLEGK